The following is an entry in ClinVar:

NM_020702.5(MYORG):c.2041A>G (p.Lys681Glu)

Gene: MYORG (myogenesis regulating glycosidase; minus strand). Cytogenetic location: 9p13.3.
Variant type: single nucleotide variant.
Coding change: c.2041A>G on transcript NM_020702.5 (MANE Select); coding-DNA position 2041, A replaced by G.
Protein change: p.Lys681Glu; replaces lysine 681 with glutamic acid.
Molecular consequence: missense variant.
Genome position (GRCh38, 1-based): chr9:34,370,903, T>C on the plus strand (A>G on the coding strand, the complement: MYORG is on the minus strand). VCF-style: chr9-34370903-T-C. GRCh37 (hg19) VCF-style: chr9-34370901-T-C.
Other names: short protein forms K681E.
Identifiers: ClinVar variation 1681280 (VCV001681280.8), dbSNP rs765512216, ClinGen allele CA192624237.

ClinVar aggregate classification (germline): Uncertain significance (1 of 4 stars; one submission).

gnomAD v4.1: 5 of 1,613,328 alleles (0.00031%); highest among the groups gnomAD compares: Non-Finnish European, 0.00042%; no homozygotes.

Submission:

Labcorp Genetics (formerly Invitae), Labcorp
Classification: Uncertain significance. Last evaluated: 2025-02-17. Review status: criteria provided, single submitter. Criteria: Invitae Variant Classification Sherloc (09022015). Collection method: clinical testing. Allele origin: germline.
Comment: This sequence change replaces lysine, which is basic and polar, with glutamic acid, which is acidic and polar, at codon 681 of the KIAA1161 protein (p.Lys681Glu). This variant is not present in population databases (gnomAD no frequency). This variant has not been reported in the literature in individuals affected with KIAA1161-related conditions. ClinVar contains an entry for this variant (Variation ID: 1681280). Invitae Evidence Modeling of protein sequence and biophysical properties (such as structural, functional, and spatial information, amino acid conservation, physicochemical variation, residue mobility, and thermodynamic stability) indicates that this missense variant is not expected to disrupt KIAA1161 protein function with a negative predictive value of 80%. In summary, the available evidence is currently insufficient to determine the role of this variant in disease. Therefore, it has been classified as a Variant of Uncertain Significance.